The following is an entry in ClinVar:

NM_004235.6(KLF4):c.504C>T (p.Gly168=)

Gene: KLF4 (KLF transcription factor 4; minus strand). Cytogenetic location: 9q31.2.
Variant type: single nucleotide variant.
Coding change: c.504C>T on transcript NM_004235.6 (MANE Select); coding-DNA position 504, C replaced by T.
Protein change: p.Gly168=; no amino-acid change (glycine 168 retained).
Molecular consequence: synonymous variant.
Genome position (GRCh38, 1-based): chr9:107,487,890, G>A on the plus strand (C>T on the coding strand, the complement: KLF4 is on the minus strand). VCF-style: chr9-107487890-G-A. GRCh37 (hg19) VCF-style: chr9-110250171-G-A.
Other names: c.504C>T, p.Gly168= (NM_001314052.2).
Identifiers: ClinVar variation 3042196 (VCV003042196.2), dbSNP rs34660570, ClinGen allele CA5173269.

ClinVar aggregate classification (germline): Benign (0 of 4 stars; one submission).

Conditions:
KLF4-related disorder. Also called: KLF4-related condition.

Allele frequency attached by ClinVar (database versions not stated): gnomAD 0.02786; 1000 Genomes Project 0.02875; ESP Exome Variant Server 0.02899; 1000 Genomes Project 30x 0.03061; TOPMed 0.03067.
gnomAD v4.1: 8,710 of 1,553,662 alleles (0.56%); highest among the groups gnomAD compares: African/African-American, 9.3%; 358 homozygotes.

Submission:

PreventionGenetics, part of Exact Sciences
Classification: Benign for KLF4-related condition. Last evaluated: 2019-06-11. Review status: no assertion criteria provided. Collection method: clinical testing. Allele origin: germline.
Comment: This variant is classified as benign based on ACMG/AMP sequence variant interpretation guidelines (Richards et al. 2015 PMID: 25741868, with internal and published modifications).